The following is an entry in ClinVar:

NM_015295.3(SMCHD1):c.1535C>T (p.Ala512Val)

Gene: SMCHD1 (structural maintenance of chromosomes flexible hinge domain containing 1; plus strand). Cytogenetic location: 18p11.32.
Variant type: single nucleotide variant.
Coding change: c.1535C>T on transcript NM_015295.3 (MANE Select); coding-DNA position 1535, C replaced by T.
Protein change: p.Ala512Val; replaces alanine 512 with valine.
Molecular consequence: missense variant.
Genome position (GRCh38, 1-based): chr18:2,700,806, C>T. VCF-style: chr18-2700806-C-T. GRCh37 (hg19) VCF-style: chr18-2700804-C-T.
Other names: short protein forms A512V.
Identifiers: ClinVar variation 2197861 (VCV002197861.4), dbSNP rs529791982, ClinGen allele CA8870752.

ClinVar aggregate classification (germline): Uncertain significance (1 of 4 stars; one submission).

Conditions:
Facioscapulohumeral muscular dystrophy 2 (FSHD2). Also called: FACIOSCAPULOHUMERAL MUSCULAR DYSTROPHY 2, DIGENIC; FSHD2, DIGENIC; MUSCULAR DYSTROPHY, FACIOSCAPULOHUMERAL, TYPE 1B. Identifiers: Orphanet 269, MedGen C1834671, MONDO:0008031, OMIM 158901.

Allele frequency attached by ClinVar (database versions not stated): gnomAD 0.00001; TOPMed 0.00001; gnomAD exomes 0.00003; ExAC 0.00006; 1000 Genomes Project 30x 0.00016; 1000 Genomes Project 0.00020.
gnomAD v4.1: 43 of 1,613,308 alleles (0.0027%); highest among the groups gnomAD compares: South Asian, 0.043%; no homozygotes.

Submission:

Labcorp Genetics (formerly Invitae), Labcorp
Classification: Uncertain significance for Facioscapulohumeral muscular dystrophy 2. Last evaluated: 2025-11-19. Review status: criteria provided, single submitter. Criteria: Invitae Variant Classification Sherloc (09022015). Collection method: clinical testing. Allele origin: germline.
Comment: This sequence change replaces alanine, which is neutral and non-polar, with valine, which is neutral and non-polar, at codon 512 of the SMCHD1 protein (p.Ala512Val). This variant is present in population databases (rs529791982, gnomAD 0.07%), and has an allele count higher than expected for a pathogenic variant. This variant has not been reported in the literature in individuals affected with SMCHD1-related conditions. ClinVar contains an entry for this variant (Variation ID: 2197861). Invitae Evidence Modeling of protein sequence and biophysical properties (such as structural, functional, and spatial information, amino acid conservation, physicochemical variation, residue mobility, and thermodynamic stability) indicates that this missense variant is not expected to disrupt SMCHD1 protein function with a negative predictive value of 80%. In summary, the available evidence is currently insufficient to determine the role of this variant in disease. Therefore, it has been classified as a Variant of Uncertain Significance.